The following is an entry in ClinVar:

ClinVar aggregate classification (germline): Likely benign. Review status: criteria provided, multiple submitters, no conflicts (2 of 4 stars). 2 submissions from 2 submitters: Likely benign (2). Last evaluated 2026-02-01.

Conditions:
Congenital disorder of glycosylation, type Iaa. Also called: Congenital disorder of glycosylation, type 1aa. Identifiers: MedGen C4310727, MONDO:0014904, OMIM 617082.

gnomAD v4.1: 15 of 1,599,672 alleles (0.00094%); highest among the groups gnomAD compares: Admixed American, 0.025%; no homozygotes.

Submissions (2):

CeGaT Center for Human Genetics Tuebingen
Classification: Likely benign. Last evaluated: 2026-02-01. Review status: criteria provided, single submitter. Criteria: CeGaT Center For Human Genetics Tuebingen Variant Classification Criteria Version 2. Collection method: clinical testing. Allele origin: germline. Affected: yes. Observed: 1 variant allele.
Comment: NUS1: BP4

Labcorp Genetics (formerly Invitae), Labcorp
Classification: Likely benign for Congenital disorder of glycosylation, type Iaa. Last evaluated: 2026-01-19. Review status: criteria provided, single submitter. Criteria: Invitae Variant Classification Sherloc (09022015). Collection method: clinical testing. Allele origin: germline.

NM_138459.5(NUS1):c.416-6T>G

Gene: NUS1 (NUS1 dehydrodolichyl diphosphate synthase subunit; plus strand). Cytogenetic location: 6q22.1.
Variant type: single nucleotide variant.
Coding change: c.416-6T>G on transcript NM_138459.5 (MANE Select); 6 bases into the intron before coding-DNA position 416, T replaced by G.
Molecular consequence: intron variant.
Genome position (GRCh38, 1-based): chr6:117,693,036, T>G. VCF-style: chr6-117693036-T-G. GRCh37 (hg19) VCF-style: chr6-118014199-T-G.
Identifiers: ClinVar variation 1596785 (VCV001596785.12), dbSNP rs754507170, ClinGen allele CA3977103.